The following is an entry in ClinVar:

NM_020843.4(SCAPER):c.3813C>T (p.Ile1271=)

Gene: SCAPER (S-phase cyclin A associated protein in the ER; minus strand). Cytogenetic location: 15q24.3.
Variant type: single nucleotide variant.
Coding change: c.3813C>T on transcript NM_020843.4 (MANE Select); coding-DNA position 3813, C replaced by T.
Protein change: p.Ile1271=; no amino-acid change (isoleucine 1271 retained).
Molecular consequence: synonymous variant. On other transcripts: non-coding transcript variant (1).
Genome position (GRCh38, 1-based): chr15:76,376,204, G>A on the plus strand (C>T on the coding strand, the complement: SCAPER is on the minus strand). VCF-style: chr15-76376204-G-A. GRCh37 (hg19) VCF-style: chr15-76668545-G-A.
Other names: c.3075C>T, p.Ile1025= (NM_001145923.2); c.3831C>T, p.Ile1277= (NM_001353009.2); c.3411C>T, p.Ile1137= (NM_001353010.2, NM_001353012.2); c.3429C>T, p.Ile1143= (NM_001353011.2).
Identifiers: ClinVar variation 4982888 (VCV004982888.1).

ClinVar aggregate classification (germline): Likely benign (1 of 4 stars; one submission).

Conditions:
SCAPER-related disorder. Also called: SCAPER-related condition.

gnomAD v4.1: 7 of 1,613,966 alleles (0.00043%); highest among the groups gnomAD compares: Admixed American, 0.0033%; no homozygotes.

Submission:

PreventionGenetics, part of Exact Sciences
Classification: Likely benign for SCAPER-related condition. Last evaluated: 2025-01-29. Review status: criteria provided, single submitter. Criteria: ACMG Guidelines, 2015. Collection method: clinical testing. Allele origin: germline.
Comment: This variant is classified as likely benign based on ACMG/AMP sequence variant interpretation guidelines (Richards et al. 2015 PMID: 25741868, with internal and published modifications).